The following is an entry in ClinVar:

NM_015378.4(VPS13D):c.12846A>C (p.Lys4282Asn)

Gene: VPS13D (vacuolar protein sorting 13 homolog D; plus strand). Cytogenetic location: 1p36.21.
Variant type: single nucleotide variant.
Coding change: c.12846A>C on transcript NM_015378.4 (MANE Select); coding-DNA position 12846, A replaced by C.
Protein change: p.Lys4282Asn; replaces lysine 4282 with asparagine.
Molecular consequence: missense variant.
Genome position (GRCh38, 1-based): chr1:12,506,904, A>C. VCF-style: chr1-12506904-A-C. GRCh37 (hg19) VCF-style: chr1-12566958-A-C.
Other names: c.12771A>C, p.Lys4257Asn (NM_018156.4); short protein forms K4257N, K4282N.
Identifiers: ClinVar variation 3068636 (VCV003068636.1), dbSNP rs777439584, ClinGen allele CA604332.

ClinVar aggregate classification (germline): Uncertain significance (1 of 4 stars; one submission).

Conditions:
Autosomal recessive cerebellar ataxia-saccadic intrusion syndrome. Also called: SPINOCEREBELLAR ATAXIA 24; VPS13D Movement Disorder. Identifiers: Orphanet 95434, MedGen C1846492, MONDO:0011811, OMIM 607317.

Allele frequency attached by ClinVar (database versions not stated): ExAC 0.00002; gnomAD 0.00002; gnomAD exomes 0.00002; TOPMed 0.00002.
gnomAD v4.1: 17 of 1,614,140 alleles (0.0011%); highest among the groups gnomAD compares: South Asian, 0.0022%; no homozygotes.

Submission:

Molecular Genetics, Royal Melbourne Hospital
Classification: Uncertain significance for Autosomal recessive cerebellar ataxia-saccadic intrusion syndrome. Last evaluated: 2022-04-01. Review status: criteria provided, single submitter. Criteria: ACMG Guidelines, 2015. Collection method: clinical testing. Allele origin: germline.
Comment: This sequence change in VPS13D is predicted to replace lysine with asparagine at codon 4282, p.(Lys4282Asn). The lysine residue is highly conserved (100 vertebrates, UCSC), and is not in a annotated domain. There is a moderate physicochemical difference between lysine and asparagine. The highest population minor allele frequency in gnomAD v2.1 is 0.004% (4/113,764 alleles) in the European (non-Finnish) population, which is consistent with a recessive condition. To our knowledge, this variant has not been reported in the literature in any individuals with VPS13D-related disease. Multiple lines of computational evidence predict a deleterious effect for the missense substitution (3/4 algorithms). Based on the classification scheme RMH Modified ACMG Guidelines v1.5.1, this variant is classified as a VARIANT OF UNCERTAIN SIGNIFICANCE. Following criteria are met: PM2_Supporting, PP3.